The following is an entry in ClinVar:

ClinVar aggregate classification (germline): Uncertain significance. Review status: criteria provided, multiple submitters, no conflicts (2 of 4 stars). 3 submissions from 3 submitters: Uncertain significance (3). Last evaluated 2023-07-23.

Conditions:
Cardiovascular phenotype. Identifiers: MedGen CN230736.
Brugada syndrome. Also called: Sudden unexplained nocturnal death syndrome; Sudden Unexplained Death Syndrome; Sudden Unexplained Nocturnal Death Syndrome (SUNDS); Sudden unexpected nocturnal death syndrome. Identifiers: Orphanet 130, MedGen C1142166, MONDO:0015263.

Allele frequency attached by ClinVar (database versions not stated): gnomAD exomes below 0.00001 and 0.00002; gnomAD 0.00001; ExAC 0.00002; TOPMed 0.00002; ESP Exome Variant Server 0.00008.
gnomAD v4.1: 8 of 1,614,142 alleles (0.0005%); highest among the groups gnomAD compares: African/African-American, 0.0067%; no homozygotes.

Submissions (3):

Ambry Genetics
Classification: Uncertain significance for Cardiovascular phenotype. Last evaluated: 2023-07-23. Review status: criteria provided, single submitter. Criteria: Ambry Variant Classification Scheme 2023. Collection method: clinical testing. Allele origin: germline.
Comment: The p.R923C variant (also known as c.2767C>T), located in coding exon 16 of the SCN10A gene, results from a C to T substitution at nucleotide position 2767. The arginine at codon 923 is replaced by cysteine, an amino acid with highly dissimilar properties. This amino acid position is not well conserved in available vertebrate species, and cysteine is the reference amino acid in other vertebrate species. In addition, this alteration is predicted to be tolerated by in silico analysis. Since supporting evidence is limited at this time, the clinical significance of this alteration remains unclear.

Labcorp Genetics (formerly Invitae), Labcorp
Classification: Uncertain significance for Brugada syndrome. Last evaluated: 2021-08-27. Review status: criteria provided, single submitter. Criteria: Invitae Variant Classification Sherloc (09022015). Collection method: clinical testing. Allele origin: germline.
Comment: This sequence change replaces arginine with cysteine at codon 923 of the SCN10A protein (p.Arg923Cys). The arginine residue is moderately conserved and there is a large physicochemical difference between arginine and cysteine. This variant is present in population databases (rs267599803, ExAC 0.01%). This missense change has been observed in individual(s) with Brugada syndrome (PMID: 31292628). ClinVar contains an entry for this variant (Variation ID: 75069). Algorithms developed to predict the effect of missense changes on protein structure and function (SIFT, PolyPhen-2, Align-GVGD) all suggest that this variant is likely to be tolerated. In summary, the available evidence is currently insufficient to determine the role of this variant in disease. Therefore, it has been classified as a Variant of Uncertain Significance.

GeneDx
Classification: Uncertain significance. Last evaluated: 2019-03-19. Review status: criteria provided, single submitter. Criteria: GeneDx Variant Classification Process June 2021. Collection method: clinical testing. Allele origin: germline. Affected: yes.
Comment: Not observed at a significant frequency in large population cohorts (Lek et al., 2016); In silico analysis, which includes protein predictors and evolutionary conservation, supports that this variant does not alter protein structure/function; Has not been previously published as pathogenic or benign to our knowledge; Reported in ClinVar but additional evidence is not available (ClinVar Variant ID# 75069; Landrum et al., 2016); This variant is associated with the following publications: (PMID: 31292628)

Literature cited by the submitters: PubMed 31292628 (cited by Labcorp Genetics (formerly Invitae), Labcorp).

NM_006514.4(SCN10A):c.2767C>T (p.Arg923Cys)

Gene: SCN10A (sodium voltage-gated channel alpha subunit 10; minus strand). Cytogenetic location: 3p22.2.
Variant type: single nucleotide variant.
Coding change: c.2767C>T on transcript NM_006514.4 (MANE Select); coding-DNA position 2767, C replaced by T.
Protein change: p.Arg923Cys; replaces arginine 923 with cysteine.
Molecular consequence: missense variant.
Genome position (GRCh38, 1-based): chr3:38,726,926, G>A on the plus strand (C>T on the coding strand, the complement: SCN10A is on the minus strand). VCF-style: chr3-38726926-G-A. GRCh37 (hg19) VCF-style: chr3-38768417-G-A.
Other names: c.2767C>T, p.Arg923Cys (NM_001293306.2); c.2473C>T, p.Arg825Cys (NM_001293307.2); short protein forms R923C, R825C.
Identifiers: ClinVar variation 75069 (VCV000075069.7), dbSNP rs267599803, ClinGen allele CA2320435.
Genomic context (GRCh38, chr3:38,726,926, plus strand): 5'-CCTTGGGCTGGGGGAATGGGCAGGACCTGCTGAAGAAGCTGCAAAGAGCCTGTTTGGTAC[G>A]ATGGCCAAAGACCTGGATCCGTGCCAGGGCCACCTGCAGGTTGTTCACCTCCCCATCGTC-3'
Protein context (NP_006505.4, residues 913-933): ALARIQVFGH[Arg923Cys]TKQALCSFFS